The following is an entry in ClinVar:

NM_000416.3(IFNGR1):c.77C>A (p.Pro26Gln)

Gene: IFNGR1 (interferon gamma receptor 1; minus strand). Cytogenetic location: 6q23.3.
Variant type: single nucleotide variant.
Coding change: c.77C>A on transcript NM_000416.3 (MANE Select); coding-DNA position 77, C replaced by A.
Protein change: p.Pro26Gln; replaces proline 26 with glutamine.
Molecular consequence: missense variant.
Genome position (GRCh38, 1-based): chr6:137,219,251, G>T on the plus strand (C>A on the coding strand, the complement: IFNGR1 is on the minus strand). VCF-style: chr6-137219251-G-T. GRCh37 (hg19) VCF-style: chr6-137540388-G-T.
Other names: short protein forms P26Q.
Identifiers: ClinVar variation 1899470 (VCV001899470.5), dbSNP rs768232887, ClinGen allele CA4019098.

ClinVar aggregate classification (germline): Uncertain significance (1 of 4 stars; one submission).

Conditions:
Disseminated atypical mycobacterial infection. Identifiers: MedGen C0694566.

gnomAD v4.1: 4 of 1,610,410 alleles (0.00025%); highest among the groups gnomAD compares: Non-Finnish European, 0.00034%; no homozygotes.

Submission:

Labcorp Genetics (formerly Invitae), Labcorp
Classification: Uncertain significance for Disseminated atypical mycobacterial infection. Last evaluated: 2022-07-04. Review status: criteria provided, single submitter. Criteria: Invitae Variant Classification Sherloc (09022015). Collection method: clinical testing. Allele origin: germline.
Comment: In summary, the available evidence is currently insufficient to determine the role of this variant in disease. Therefore, it has been classified as a Variant of Uncertain Significance. Algorithms developed to predict the effect of missense changes on protein structure and function are either unavailable or do not agree on the potential impact of this missense change (SIFT: "Tolerated"; PolyPhen-2: "Possibly Damaging"; Align-GVGD: "Class C0"). This variant has not been reported in the literature in individuals affected with IFNGR1-related conditions. The frequency data for this variant in the population databases is considered unreliable, as metrics indicate poor data quality at this position in the gnomAD database. This sequence change replaces proline, which is neutral and non-polar, with glutamine, which is neutral and polar, at codon 26 of the IFNGR1 protein (p.Pro26Gln).